The following is an entry in ClinVar:

ClinVar aggregate classification (germline): Uncertain significance (1 of 4 stars; one submission).

Allele frequency attached by ClinVar (database versions not stated): gnomAD exomes 0.00001; ExAC 0.00002; gnomAD 0.00006; TOPMed 0.00013; 1000 Genomes Project 30x 0.00016; 1000 Genomes Project 0.00020.
gnomAD v4.1: 15 of 1,612,468 alleles (0.00093%); highest among the groups gnomAD compares: Admixed American, 0.02%; no homozygotes.

Submission:

Labcorp Genetics (formerly Invitae), Labcorp
Classification: Uncertain significance. Last evaluated: 2023-08-27. Review status: criteria provided, single submitter. Criteria: Invitae Variant Classification Sherloc (09022015). Collection method: clinical testing. Allele origin: germline.
Comment: This sequence change falls in intron 6 of the RBPJ gene. It does not directly change the encoded amino acid sequence of the RBPJ protein. It affects a nucleotide within the consensus splice site. In summary, the available evidence is currently insufficient to determine the role of this variant in disease. Therefore, it has been classified as a Variant of Uncertain Significance. Variants that disrupt the consensus splice site are a relatively common cause of aberrant splicing (PMID: 17576681, 9536098). Algorithms developed to predict the effect of sequence changes on RNA splicing suggest that this variant is not likely to affect RNA splicing. This variant has not been reported in the literature in individuals affected with RBPJ-related conditions. This variant is present in population databases (rs571046088, gnomAD 0.009%).

Literature cited by the submitters: PubMed 17576681; PubMed 9536098.

NM_015874.6(RBPJ):c.497-3C>T

Gene: RBPJ (recombination signal binding protein for immunoglobulin kappa J region; plus strand). Cytogenetic location: 4p15.2.
Variant type: single nucleotide variant.
Coding change: c.497-3C>T on transcript NM_015874.6 (MANE Select); 3 bases into the intron before coding-DNA position 497, C replaced by T.
Molecular consequence: intron variant.
Genome position (GRCh38, 1-based): chr4:26,424,339, C>T. VCF-style: chr4-26424339-C-T. GRCh37 (hg19) VCF-style: chr4-26425961-C-T.
Other names: c.494-3C>T (NM_001374401.1, NM_001379407.1, NM_001379406.1 and 3 more transcripts); c.536-3C>T (NM_005349.4, NM_001379408.1, NM_001374400.1); c.431-3C>T (NM_203283.5, NM_001363577.2); c.491-3C>T (NM_001379409.1).
Identifiers: ClinVar variation 2715646 (VCV002715646.3), dbSNP rs571046088, ClinGen allele CA2881373.